The following is an entry in ClinVar:

NM_000388.4(CASR):c.1322G>A (p.Arg441Lys)

Gene: CASR (calcium sensing receptor; plus strand). Cytogenetic location: 3q21.1.
Variant type: single nucleotide variant.
Coding change: c.1322G>A on transcript NM_000388.4 (MANE Select); coding-DNA position 1322, G replaced by A.
Protein change: p.Arg441Lys; replaces arginine 441 with lysine.
Molecular consequence: missense variant.
Genome position (GRCh38, 1-based): chr3:122,262,357, G>A. VCF-style: chr3-122262357-G-A. GRCh37 (hg19) VCF-style: chr3-121981204-G-A.
Other names: c.1322G>A, p.Arg441Lys (NM_001178065.2); short protein forms R441K.
Identifiers: ClinVar variation 1389175 (VCV001389175.10), dbSNP rs1230573005, ClinGen allele CA354153113.

ClinVar aggregate classification (germline): Uncertain significance. Review status: criteria provided, multiple submitters, no conflicts (2 of 4 stars). 2 submissions from 2 submitters: Uncertain significance (2). Last evaluated 2023-11-24.

Conditions:
Nephrolithiasis/nephrocalcinosis. Identifiers: MedGen CN580796.
Familial hypocalciuric hypercalcemia (FHH). Also called: Familial benign hypercalcemia. Identifiers: Orphanet 405, MedGen C1809471, MONDO:0018458.
Autosomal dominant hypocalcemia 1 (HYPOC1). Also called: HYPOCALCEMIA, FAMILIAL. Identifiers: MedGen C3715128, MONDO:0011013, OMIM 601198.

Allele frequency attached by ClinVar (database versions not stated): gnomAD 0.00001.
gnomAD v4.1: 1 of 1,613,930 alleles (0.000062%); highest among the groups gnomAD compares: East Asian, 0.0022%; no homozygotes.

Submissions (2):

Labcorp Genetics (formerly Invitae), Labcorp
Classification: Uncertain significance for Familial hypocalciuric hypercalcemia; Autosomal dominant hypocalcemia 1. Last evaluated: 2023-11-24. Review status: criteria provided, single submitter. Criteria: Invitae Variant Classification Sherloc (09022015). Collection method: clinical testing. Allele origin: germline.
Comment: This sequence change replaces arginine, which is basic and polar, with lysine, which is basic and polar, at codon 441 of the CASR protein (p.Arg441Lys). This variant is present in population databases (no rsID available, gnomAD 0.06%). This variant has not been reported in the literature in individuals affected with CASR-related conditions. ClinVar contains an entry for this variant (Variation ID: 1389175). Algorithms developed to predict the effect of missense changes on protein structure and function output the following: SIFT: "Not Available"; PolyPhen-2: "Benign"; Align-GVGD: "Not Available". The lysine amino acid residue is found in multiple mammalian species, which suggests that this missense change does not adversely affect protein function. In summary, the available evidence is currently insufficient to determine the role of this variant in disease. Therefore, it has been classified as a Variant of Uncertain Significance.

Ambry Genetics
Classification: Uncertain significance for Nephrolithiasis/nephrocalcinosis. Last evaluated: 2022-04-09. Review status: criteria provided, single submitter. Criteria: Ambry Variant Classification Scheme 2023. Collection method: clinical testing. Allele origin: germline.
Comment: The p.R441K variant (also known as c.1322G>A), located in coding exon 3 of the CASR gene, results from a G to A substitution at nucleotide position 1322. The arginine at codon 441 is replaced by lysine, an amino acid with highly similar properties. This amino acid position is conserved. In addition, this alteration is predicted to be tolerated by in silico analysis. Since supporting evidence is limited at this time, the clinical significance of this alteration remains unclear.